The following is an entry in ClinVar:

NM_183381.3(RNF13):c.633_634del (p.His211fs)

Gene: RNF13 (ring finger protein 13; plus strand). Cytogenetic location: 3q25.1.
Variant type: Deletion.
Coding change: c.633_634del on transcript NM_183381.3 (MANE Select); coding-DNA positions 633 to 634, 2 bases deleted (TA; older notation c.633_634delTA).
Protein change: p.His211fs; shifts the reading frame from histidine 211.
Molecular consequence: frameshift variant. On other transcripts: non-coding transcript variant (1).
Genome position (GRCh38, 1-based): chr3:149,921,160-149,921,161, TA deleted; deleting any 2 consecutive bases within chr3:149,921,159-149,921,161 gives the same sequence; the c. name uses the placement nearest the transcript's 3' end. VCF-style (leftmost placement, unchanged base first): chr3-149921158-CAT-C. GRCh37 (hg19) VCF-style: chr3-149638945-CAT-C.
Other names: c.633_634del, p.His211fs (NM_001378285.1, NM_001378286.1, NM_007282.4); c.276_277del, p.His92fs (NM_001378287.1, NM_001378288.1, NM_001378289.1 and 2 more transcripts); c.240_241del, p.His80fs (NM_001378291.1); c.633_634delTA (NM_007282.4); short protein forms H211fs, H80fs, H92fs.
Identifiers: ClinVar variation 4887313 (VCV004887313.1).

ClinVar aggregate classification (germline): Uncertain significance (1 of 4 stars; one submission).

Submission:

Women's Health and Genetics/Laboratory Corporation of America, LabCorp
Classification: Uncertain significance. Last evaluated: 2026-06-12. Review status: criteria provided, single submitter. Criteria: LabCorp Variant Classification Summary - May 2015. Collection method: clinical testing. Allele origin: germline.
Comment: Variant summary: RNF13 c.633_634delTA (p.His211GlnfsX3) results in a premature termination codon, predicted to cause a truncation of the encoded protein or absence of the protein due to nonsense mediated decay, however current evidence is not sufficient to establish loss of function as a mechanism for disease. The variant was absent in 177534 control chromosomes (gnomAD). The available data on variant occurrences in the general population are insufficient to allow any conclusion about variant significance. To our knowledge, no occurrence of c.633_634delTA in individuals affected with RNF13-related conditions and no experimental evidence demonstrating its impact on protein function have been reported. No submitters have cited clinical-significance assessments for this variant to ClinVar. Based on the evidence outlined above, the variant was classified as uncertain significance.